The following is an entry in ClinVar:

ClinVar aggregate classification (germline): Uncertain significance (1 of 4 stars; one submission).

Conditions:
Epilepsy, childhood absence, susceptibility to, 1. Also called: Epilepsy, childhood absence 1. Identifiers: Orphanet 64280, MedGen C1838604, MONDO:0020759, OMIM 600131.
Epilepsy, childhood absence, susceptibility to, 5. Identifiers: Orphanet 64280, MedGen C2677087, MONDO:0012843, OMIM 612269.

Submission:

Labcorp Genetics (formerly Invitae), Labcorp
Classification: Uncertain significance for Epilepsy, childhood absence, susceptibility to, 5; Epilepsy, childhood absence, susceptibility to, 1. Last evaluated: 2024-06-26. Review status: criteria provided, single submitter. Criteria: Invitae Variant Classification Sherloc (09022015). Collection method: clinical testing. Allele origin: germline.
Comment: This sequence change replaces valine, which is neutral and non-polar, with leucine, which is neutral and non-polar, at codon 134 of the GABRB3 protein (p.Val134Leu). This variant is not present in population databases (gnomAD no frequency). This variant has not been reported in the literature in individuals affected with GABRB3-related conditions. Advanced modeling of protein sequence and biophysical properties (such as structural, functional, and spatial information, amino acid conservation, physicochemical variation, residue mobility, and thermodynamic stability) has been performed at Invitae for this missense variant, however the output from this modeling did not meet the statistical confidence thresholds required to predict the impact of this variant on GABRB3 protein function. In summary, the available evidence is currently insufficient to determine the role of this variant in disease. Therefore, it has been classified as a Variant of Uncertain Significance.

NM_000814.6(GABRB3):c.400G>T (p.Val134Leu)

Gene: GABRB3 (gamma-aminobutyric acid type A receptor subunit beta3; minus strand). Cytogenetic location: 15q12.
Variant type: single nucleotide variant.
Coding change: c.400G>T on transcript NM_000814.6 (MANE Select); coding-DNA position 400, G replaced by T.
Protein change: p.Val134Leu; replaces valine 134 with leucine.
Molecular consequence: missense variant. On other transcripts: non-coding transcript variant (1).
Genome position (GRCh38, 1-based): chr15:26,621,375, C>A on the plus strand (G>T on the coding strand, the complement: GABRB3 is on the minus strand). VCF-style: chr15-26621375-C-A. GRCh37 (hg19) VCF-style: chr15-26866522-C-A.
Other names: c.145G>T, p.Val49Leu (NM_001191320.2, NM_001278631.2); c.187G>T, p.Val63Leu (NM_001191321.3); c.400G>T, p.Val134Leu (NM_021912.5); short protein forms V134L, V49L, V63L.
Identifiers: ClinVar variation 3754028 (VCV003754028.2).